The following is an entry in ClinVar:

NM_000092.5(COL4A4):c.587G>C (p.Gly196Ala)

Gene: COL4A4 (collagen type IV alpha 4 chain; minus strand). Cytogenetic location: 2q36.3.
Variant type: single nucleotide variant.
Coding change: c.587G>C on transcript NM_000092.5 (MANE Select); coding-DNA position 587, G replaced by C.
Protein change: p.Gly196Ala; replaces glycine 196 with alanine.
Molecular consequence: missense variant.
Genome position (GRCh38, 1-based): chr2:227,111,685, C>G on the plus strand (G>C on the coding strand, the complement: COL4A4 is on the minus strand). VCF-style: chr2-227111685-C-G. GRCh37 (hg19) VCF-style: chr2-227976401-C-G.
Other names: short protein forms G196A.
Identifiers: ClinVar variation 4817346 (VCV004817346.1).

ClinVar aggregate classification (germline): Likely pathogenic (1 of 4 stars; one submission).

Conditions:
Alport syndrome. Also called: Hemorrhagic familial nephritis; Hemorrhagic hereditary nephritis; Congenital hereditary hematuria. Identifiers: Orphanet 63, MedGen C1567741, MONDO:0018965.

Submission:

Natera, Inc.
Classification: Likely pathogenic for Alport syndrome. Last evaluated: 2025-08-20. Review status: criteria provided, single submitter. Criteria: Natera Variant Classification Schema (03/2026). Collection method: clinical testing. Allele origin: germline.
Comment: The c.587G>C variant in COL4A4 is a missense variant predicted to cause substitution of glycine to alanine at amino acid 196. This variant is rare in the general population with a frequency below the threshold expected for the associated phenotype(s). This variant is located in a functionally critical region of the protein. Computational prediction algorithms indicate this variant is likely to affect gene or protein function. Given the available evidence, this variant is classified as Likely Pathogenic.